The following is an entry in ClinVar:

NM_030632.3(ASXL3):c.5081C>T (p.Pro1694Leu)

Gene: ASXL3 (ASXL transcriptional regulator 3; plus strand). Cytogenetic location: 18q12.1.
Variant type: single nucleotide variant.
Coding change: c.5081C>T on transcript NM_030632.3 (MANE Select); coding-DNA position 5081, C replaced by T.
Protein change: p.Pro1694Leu; replaces proline 1694 with leucine.
Molecular consequence: missense variant.
Genome position (GRCh38, 1-based): chr18:33,744,929, C>T. VCF-style: chr18-33744929-C-T. GRCh37 (hg19) VCF-style: chr18-31324893-C-T.
Other names: short protein forms P1694L.
Identifiers: ClinVar variation 4979845 (VCV004979845.2).
Genomic context (GRCh38, chr18:33,744,929, plus strand): 5'-AAGCAGACAAGGGCTTTAGAATGGACACTGAAGACTTCCCTGGCCCTGAGCTGCCTCCTC[C>T]GGCTGCAGAGGGAGCCTCTAGTGTACAACAAACACAGAACATGAAAGCTTCCACCTCAAG-3'
Protein context (NP_085135.1, residues 1684-1704): EDFPGPELPP[Pro1694Leu]AAEGASSVQQ

ClinVar aggregate classification (germline): Likely benign. Review status: criteria provided, multiple submitters, no conflicts (2 of 4 stars). 2 submissions from 2 submitters: Likely benign (2). Last evaluated 2026-08-01.

Conditions:
ASXL3-related disorder. Also called: ASXL3-related condition. Identifiers: MedGen CN381524.

gnomAD v4.1: 32 of 1,613,852 alleles (0.002%); highest among the groups gnomAD compares: African/African-American, 0.02%; no homozygotes.

Submissions (2):

CeGaT Center for Human Genetics Tuebingen
Classification: Likely benign. Last evaluated: 2026-08-01. Review status: criteria provided, single submitter. Criteria: CeGaT Center For Human Genetics Tuebingen Variant Classification Criteria Version 2. Collection method: clinical testing. Allele origin: germline. Affected: yes. Observed: 1 variant allele.
Comment: ASXL3: BP4

PreventionGenetics, part of Exact Sciences
Classification: Likely benign for ASXL3-related condition. Last evaluated: 2024-10-24. Review status: criteria provided, single submitter. Criteria: ACMG Guidelines, 2015. Collection method: clinical testing. Allele origin: germline.
Comment: This variant is classified as likely benign based on ACMG/AMP sequence variant interpretation guidelines (Richards et al. 2015 PMID: 25741868, with internal and published modifications).